The following is an entry in ClinVar:

NM_001199107.2(TBC1D24):c.203C>G (p.Thr68Arg)

Gene: TBC1D24 (TBC1 domain family member 24; plus strand). Cytogenetic location: 16p13.3.
Variant type: single nucleotide variant.
Coding change: c.203C>G on transcript NM_001199107.2 (MANE Select); coding-DNA position 203, C replaced by G.
Protein change: p.Thr68Arg; replaces threonine 68 with arginine.
Molecular consequence: missense variant.
Genome position (GRCh38, 1-based): chr16:2,496,351, C>G. VCF-style: chr16-2496351-C-G. GRCh37 (hg19) VCF-style: chr16-2546352-C-G.
Other names: c.203C>G, p.Thr68Arg (NM_020705.3); short protein forms T68R.
Identifiers: ClinVar variation 836240 (VCV000836240.8), dbSNP rs866586869, ClinGen allele CA394374967.

ClinVar aggregate classification (germline): Uncertain significance (1 of 4 stars; one submission).

Conditions:
Developmental and epileptic encephalopathy, 1 (DEE1). Also called: X-linked infantile spasms; West's syndrome; Tonic spasms with clustering, arrest of psychomotor development and hypsarrhythmia on EEG; X-Linked Infantile Spasm Syndrome; OHTAHARA SYNDROME, X-LINKED; INFANTILE SPASM SYNDROME, X-LINKED 1. Identifiers: MedGen C3463992, MONDO:0010632, OMIM 308350. Disease mechanism: loss of function.
Autosomal dominant nonsyndromic hearing loss 65. Also called: TBC1D24-Related Autosomal Dominant Nonsyndromic Hearing Loss (DFNA); Deafness, autosomal dominant 65. Identifiers: Orphanet 90635, MedGen C3892048, MONDO:0014470, OMIM 616044.

Allele frequency attached by ClinVar (database versions not stated): gnomAD 0.00001; gnomAD exomes below 0.00001.

Submission:

Labcorp Genetics (formerly Invitae), Labcorp
Classification: Uncertain significance for Developmental and epileptic encephalopathy, 1; Autosomal dominant nonsyndromic hearing loss 65. Last evaluated: 2024-08-19. Review status: criteria provided, single submitter. Criteria: Invitae Variant Classification Sherloc (09022015). Collection method: clinical testing. Allele origin: germline.
Comment: This sequence change replaces threonine, which is neutral and polar, with arginine, which is basic and polar, at codon 68 of the TBC1D24 protein (p.Thr68Arg). This variant is present in population databases (no rsID available, gnomAD 0.003%). This variant has not been reported in the literature in individuals affected with TBC1D24-related conditions. ClinVar contains an entry for this variant (Variation ID: 836240). Invitae Evidence Modeling of protein sequence and biophysical properties (such as structural, functional, and spatial information, amino acid conservation, physicochemical variation, residue mobility, and thermodynamic stability) indicates that this missense variant is expected to disrupt TBC1D24 protein function with a positive predictive value of 80%. In summary, the available evidence is currently insufficient to determine the role of this variant in disease. Therefore, it has been classified as a Variant of Uncertain Significance.